The following is an entry in ClinVar:

ClinVar aggregate classification (germline): Uncertain significance. Review status: criteria provided, multiple submitters, no conflicts (2 of 4 stars). 3 submissions from 3 submitters: Uncertain significance (3). Last evaluated 2025-09-20.

Conditions:
Hereditary cancer-predisposing syndrome. Also called: Hereditary neoplastic syndrome; Neoplastic Syndromes, Hereditary; Tumor predisposition; Hereditary Cancer Syndrome. Identifiers: Orphanet 140162, MedGen C0027672, MeSH D009386, MONDO:0015356.
Renal cell carcinoma. Identifiers: Orphanet 217071, MedGen C0007134, MeSH D002292, MONDO:0005086, HP:0005584.

Allele frequency attached by ClinVar (database versions not stated): gnomAD exomes below 0.00001; TOPMed below 0.00001.
gnomAD v4.1: 7 of 1,614,128 alleles (0.00043%); highest among the groups gnomAD compares: Non-Finnish European, 0.00059%; no homozygotes.

Submissions (3):

Labcorp Genetics (formerly Invitae), Labcorp
Classification: Uncertain significance for Renal cell carcinoma. Last evaluated: 2025-09-20. Review status: criteria provided, single submitter. Criteria: Invitae Variant Classification Sherloc (09022015). Collection method: clinical testing. Allele origin: germline.
Comment: This sequence change replaces serine, which is neutral and polar, with tyrosine, which is neutral and polar, at codon 1061 of the MET protein (p.Ser1061Tyr). This variant is present in population databases (no rsID available, gnomAD 0.0009%). This variant has not been reported in the literature in individuals affected with MET-related conditions. ClinVar contains an entry for this variant (Variation ID: 1320909). An algorithm developed to predict the effect of missense changes on protein structure and function (PolyPhen-2) suggests that this variant is likely to be disruptive. In summary, the available evidence is currently insufficient to determine the role of this variant in disease. Therefore, it has been classified as a Variant of Uncertain Significance.

Ambry Genetics
Classification: Uncertain significance for Hereditary cancer-predisposing syndrome. Last evaluated: 2023-01-31. Review status: criteria provided, single submitter. Criteria: Ambry Variant Classification Scheme 2023. Collection method: clinical testing. Allele origin: germline.
Comment: The p.S1061Y variant (also known as c.3182C>A), located in coding exon 14 of the MET gene, results from a C to A substitution at nucleotide position 3182. The serine at codon 1061 is replaced by tyrosine, an amino acid with dissimilar properties. This amino acid position is conserved. In addition, this alteration is predicted to be tolerated by in silico analysis. Since supporting evidence is limited at this time, the clinical significance of this alteration remains unclear.

GeneDx
Classification: Uncertain significance. Last evaluated: 2022-06-21. Review status: criteria provided, single submitter. Criteria: GeneDx Variant Classification Process June 2021. Collection method: clinical testing. Allele origin: germline. Affected: yes.
Comment: Has not been previously published as pathogenic or benign to our knowledge; Not observed at significant frequency in large population cohorts (gnomAD); In silico analysis supports that this missense variant has a deleterious effect on protein structure/function

NM_000245.4(MET):c.3128C>A (p.Ser1043Tyr)

Gene: MET (MET proto-oncogene, receptor tyrosine kinase; plus strand). Cytogenetic location: 7q31.2.
Variant type: single nucleotide variant.
Coding change: c.3128C>A on transcript NM_000245.4 (MANE Select); coding-DNA position 3128, C replaced by A.
Protein change: p.Ser1043Tyr; replaces serine 1043 with tyrosine.
Molecular consequence: missense variant.
Genome position (GRCh38, 1-based): chr7:116,774,980, C>A. VCF-style: chr7-116774980-C-A. GRCh37 (hg19) VCF-style: chr7-116415034-C-A.
Other names: c.3182C>A, p.Ser1061Tyr (NM_001127500.3); c.1838C>A, p.Ser613Tyr (NM_001324402.2); short protein forms S1043Y, S1061Y, S613Y.
Identifiers: ClinVar variation 1320909 (VCV001320909.10), dbSNP rs1267419620, ClinGen allele CA368988245.